The following is an entry in ClinVar:

ClinVar aggregate classification (germline): Uncertain significance. Review status: criteria provided, multiple submitters, no conflicts (2 of 4 stars). 2 submissions from 2 submitters: Uncertain significance (2). Last evaluated 2024-07-02.

Conditions:
Joubert syndrome 18 (JBTS18). Identifiers: Orphanet 2754, MedGen C3553758, MONDO:0013896, OMIM 614815.
Orofacial-digital syndrome IV (OFD4). Also called: BARAITSER-BURN SYNDROME; OFD SYNDROME WITH TIBIAL DEFECTS; OFD SYNDROME, BARAITSER-BURN TYPE; OFDS IV; ORAL-FACIAL-DIGITAL SYNDROME, TYPE IV; Orofaciodigital syndrome IV. Identifiers: Orphanet 2753, MedGen C0406727, MONDO:0009794, OMIM 258860.
Inborn genetic diseases. Identifiers: MedGen C0950123, MeSH D030342.

Allele frequency attached by ClinVar (database versions not stated): gnomAD exomes below 0.00001.
gnomAD v4.1: 4 of 1,613,992 alleles (0.00025%); highest among the groups gnomAD compares: South Asian, 0.0033%; no homozygotes.

Submissions (2):

Ambry Genetics
Classification: Uncertain significance for Inborn genetic diseases. Last evaluated: 2024-07-02. Review status: criteria provided, single submitter. Criteria: Ambry Variant Classification Scheme 2023. Collection method: clinical testing. Allele origin: germline.

Labcorp Genetics (formerly Invitae), Labcorp
Classification: Uncertain significance for Joubert syndrome 18; Orofacial-digital syndrome IV. Last evaluated: 2022-07-12. Review status: criteria provided, single submitter. Criteria: Invitae Variant Classification Sherloc (09022015). Collection method: clinical testing. Allele origin: germline.
Comment: This sequence change replaces glycine, which is neutral and non-polar, with arginine, which is basic and polar, at codon 332 of the TCTN3 protein (p.Gly332Arg). This variant is not present in population databases (gnomAD no frequency). This variant has not been reported in the literature in individuals affected with TCTN3-related conditions. Algorithms developed to predict the effect of missense changes on protein structure and function (SIFT, PolyPhen-2, Align-GVGD) all suggest that this variant is likely to be disruptive. In summary, the available evidence is currently insufficient to determine the role of this variant in disease. Therefore, it has been classified as a Variant of Uncertain Significance.

NM_015631.6(TCTN3):c.994G>A (p.Gly332Arg)

Gene: TCTN3 (tectonic family member 3; minus strand). Cytogenetic location: 10q24.1.
Variant type: single nucleotide variant.
Coding change: c.994G>A on transcript NM_015631.6 (MANE Select); coding-DNA position 994, G replaced by A.
Protein change: p.Gly332Arg; replaces glycine 332 with arginine.
Molecular consequence: missense variant. On other transcripts: intron variant (1).
Genome position (GRCh38, 1-based): chr10:95,684,600, C>T on the plus strand (G>A on the coding strand, the complement: TCTN3 is on the minus strand). VCF-style: chr10-95684600-C-T. GRCh37 (hg19) VCF-style: chr10-97444357-C-T.
Other names: c.1048G>A, p.Gly350Arg (NM_001013840.1); c.913G>A, p.Gly305Arg (NM_001410982.1); c.652-971G>A (NM_001143973.2); c.994G>A (NM_015631.5); short protein forms G305R, G332R, G350R.
Identifiers: ClinVar variation 2194118 (VCV002194118.2), dbSNP rs2492749189, ClinGen allele CA377704905.
Genomic context (GRCh38, chr10:95,684,600, plus strand): 5'-GCTCAACAGTCAGGTTGGTTTGTCCCAAACTGACAGAAACTTTCTGGATTCCAAAAGTCC[C>T]ATTGGTCTCTATCTCATAGGTGACCTGAAATGCAAAAAGAATCAATTAATAAAAAGTAGT-3'
Protein context (NP_056446.4, residues 322-342): SQVTYEIETN[Gly332Arg]TFGIQKVSVS